The following is an entry in ClinVar:

ClinVar aggregate classification (germline): Pathogenic/Likely pathogenic. Review status: criteria provided, multiple submitters, no conflicts (2 of 4 stars). 4 submissions from 4 submitters: Pathogenic (1); Likely pathogenic (3). Last evaluated 2026-09-08.

Conditions:
Hereditary breast ovarian cancer syndrome. Also called: Hereditary breast and ovarian cancer syndrome; Hereditary breast and ovarian cancer; Hereditary breast and ovarian cancer syndrome (HBOC); Breast and ovarian cancer; Hereditary breast and/or ovarian cancer syndrome; BRCA1- and BRCA2-Associated Hereditary Breast and Ovarian Cancer. Identifiers: Orphanet 145, MedGen C0677776, MeSH D061325, MONDO:0003582. Disease mechanism: loss of function.
Hereditary cancer-predisposing syndrome. Also called: Neoplastic Syndromes, Hereditary; Tumor predisposition; Hereditary neoplastic syndrome; Hereditary Cancer Syndrome. Identifiers: Orphanet 140162, MedGen C0027672, MeSH D009386, MONDO:0015356.
Lynch syndrome 5 (LYNCH5). Also called: Colorectal cancer, hereditary nonpolyposis, type 5; Hereditary non-polyposis colorectal cancer, type 5. Identifiers: Orphanet 144, MedGen C1833477, MONDO:0013710, OMIM 614350. Disease mechanism: loss of function.

Submissions (4):

German Consortium for Hereditary Breast and Ovarian Cancer, University Hospital Cologne
Classification: Likely pathogenic for Hereditary breast ovarian cancer syndrome. Last evaluated: 2026-09-08. Review status: criteria provided, single submitter. Criteria: ClinGen MSH6 V2.0.0. Collection method: curation. Allele origin: germline.
Comment: This classification follows the ClinGen InSiGHT ACMG MSH6 v2.0.0 classification scheme; We chose these criteria: PVS1 (strong pathogenic): loss of invariant Donor-Site, exon 7 skipping, preserves reading frame and the altered region is critical to protein function, PM2 (supporting pathogenic): absent from gnomAD v2/3/4, PP4 (supporting pathogenic): Found in patient with MSI-H endometrium cancer

Ambry Genetics
Classification: Likely pathogenic for Hereditary cancer-predisposing syndrome. Last evaluated: 2025-06-12. Review status: criteria provided, single submitter. Criteria: Ambry Variant Classification Scheme 2023. Collection method: clinical testing. Allele origin: germline.
Comment: The c.3646+2T>G intronic variant results from a T to G substitution two nucleotides after coding exon 7 in the MSH6 gene. Alterations that disrupt the canonical splice site are expected to result in aberrant splicing. In silico splice site analysis predicts that this alteration will weaken the native splice donor site; however, direct evidence is insufficient at this time (Ambry internal data). A resulting transcript is predicted to be in-frame and is not expected to trigger nonsense-mediated mRNAdecay; although, direct evidence is unavailable. However, the region predicted to be impacted is critical for protein function (Ambry internal data). This variant is considered to be rare based on population cohorts in the Genome Aggregation Database (gnomAD). This nucleotide position is highly conserved in available vertebrate species. Based on the majority of available evidence to date, this variant is likely to be pathogenic.

Myriad Genetics, Inc.
Classification: Likely pathogenic for Lynch syndrome 5. Last evaluated: 2023-08-24. Review status: criteria provided, single submitter. Criteria: Myriad Autosomal Dominant, Autosomal Recessive and X-Linked Classification Criteria (2023). Collection method: clinical testing. Allele origin: unknown.
Comment: This variant is considered likely pathogenic. This variant occurs within a consensus splice junction and is predicted to result in abnormal mRNA splicing of either an out-of-frame exon or an in-frame exon necessary for protein stability and/or normal function.

Department of Pathology and Laboratory Medicine, Sinai Health System
Classification: Pathogenic for Lynch syndrome 5. Last evaluated: 2020-11-10. Review status: criteria provided, single submitter. Criteria: ACMG Guidelines, 2015. Collection method: clinical testing. Allele origin: germline. Affected: yes.

NM_000179.3(MSH6):c.3646+2T>G

Gene: MSH6 (mutS homolog 6; plus strand). Cytogenetic location: 2p16.3.
Variant type: single nucleotide variant.
Coding change: c.3646+2T>G on transcript NM_000179.3 (MANE Select); the canonical splice donor site of the intron after coding-DNA position 3646, T replaced by G.
Molecular consequence: splice donor variant.
Genome position (GRCh38, 1-based): chr2:47,805,709, T>G. VCF-style: chr2-47805709-T-G. GRCh37 (hg19) VCF-style: chr2-48032848-T-G.
Other names: c.3646+2T>G (NM_001406808.1, NM_001406800.1, NM_001406809.1 and 1 more transcripts); c.3472+2T>G (NM_001406798.1); c.2782+2T>G (NM_001406803.1); c.2080+2T>G (NM_001406817.1); c.1591+2T>G (NM_001407362.1); c.2740+2T>G (NM_001281493.2, NM_001406812.1, NM_001406816.1 and 6 more transcripts); c.3121+2T>G (NM_001406799.1, NM_001406806.1, NM_001406807.1); c.3568+2T>G (NM_001406804.1); and 7 more.
Identifiers: ClinVar variation 1733553 (VCV001733553.5), dbSNP rs1553332776, ClinGen allele CA346760642.
Genomic context (GRCh38, chr2:47,805,709, plus strand): 5'-AACTGCCAGCATACTCATGCATGCAACAGCACATTCTCTGGTGCTTGTGGATGAATTAGG[T>G]AAGACATTAAACTTCTCATTTGAAGACTATCTATCTTAAAAACATTTGTACAAATAACTA-3'